The following is an entry in ClinVar:

ClinVar aggregate classification (germline): Benign/Likely benign. Review status: criteria provided, multiple submitters, no conflicts (2 of 4 stars). 4 submissions from 4 submitters: Benign (2); Likely benign (2). Last evaluated 2026-02-02.

Conditions:
Koolen-de Vries syndrome (KDVS). Identifiers: Orphanet 96169, MedGen C1864871, MONDO:0012496, OMIM 610443.

Allele frequency attached by ClinVar (database versions not stated): 1000 Genomes Project 30x 0.00031; 1000 Genomes Project 0.00040; ExAC 0.00080; gnomAD exomes 0.00080; gnomAD 0.00083 and 0.00087; TOPMed 0.00083; ESP Exome Variant Server 0.00131.
gnomAD v4.1: 1,798 of 1,614,130 alleles (0.11%); highest among the groups gnomAD compares: Non-Finnish European, 0.14%; 1 homozygote.

Submissions (4):

Labcorp Genetics (formerly Invitae), Labcorp
Classification: Benign for Koolen-de Vries syndrome. Last evaluated: 2026-02-02. Review status: criteria provided, single submitter. Criteria: Invitae Variant Classification Sherloc (09022015). Collection method: clinical testing. Allele origin: germline.

CeGaT Center for Human Genetics Tuebingen
Classification: Likely benign. Last evaluated: 2025-07-01. Review status: criteria provided, single submitter. Criteria: CeGaT Center For Human Genetics Tuebingen Variant Classification Criteria Version 2. Collection method: clinical testing. Allele origin: germline. Affected: yes. Observed: 5 variant alleles.
Comment: KANSL1: BP4, BP7

Blueprint Genetics
Classification: Likely benign. Last evaluated: 2024-10-02. Review status: criteria provided, single submitter. Criteria: ACMG Guidelines, 2015. Collection method: clinical testing. Allele origin: germline.

GeneDx
Classification: Benign. Last evaluated: 2014-01-17. Review status: criteria provided, single submitter. Criteria: GeneDx Variant Classification (06012015). Collection method: clinical testing. Allele origin: germline. Affected: yes.
Comment: This variant is considered likely benign or benign based on one or more of the following criteria: it is a conservative change, it occurs at a poorly conserved position in the protein, it is predicted to be benign by multiple in silico algorithms, and/or has population frequency not consistent with disease.

NM_015443.4(KANSL1):c.2628C>T (p.Arg876=)

Gene: KANSL1 (KAT8 regulatory NSL complex subunit 1). Cytogenetic location: 17q21.31.
Variant type: single nucleotide variant.
Coding change: c.2628C>T on transcript NM_015443.4 (MANE Select); coding-DNA position 2628, C replaced by T.
Protein change: p.Arg876=; no amino-acid change (arginine 876 retained).
Molecular consequence: synonymous variant.
Genome position (GRCh38, 1-based): chr17:46,034,199, G>A on the plus strand (C>T on the coding strand, the complement: KANSL1 is on the minus strand). VCF-style: chr17-46034199-G-A. GRCh37 (hg19) VCF-style: chr17-44111565-G-A.
Other names: p.R876R:CGC>CGT; c.2625C>T, p.Arg875= (NM_001193465.2); c.2628C>T, p.Arg876= (NM_001193466.2, NM_001379198.1).
Identifiers: ClinVar variation 137969 (VCV000137969.36), dbSNP rs149756887, ClinGen allele CA291705.